The following is an entry in ClinVar:

ClinVar aggregate classification (germline): Uncertain significance. Review status: criteria provided, multiple submitters, no conflicts (2 of 4 stars). 2 submissions from 2 submitters: Uncertain significance (2). Last evaluated 2025-04-17.

Conditions:
Inborn genetic diseases. Identifiers: MedGen C0950123, MeSH D030342.
Fanconi anemia (FA). Also called: Fanconi's anemia. Identifiers: Orphanet 84, MedGen C0015625, MeSH D005199, MONDO:0019391.

Allele frequency attached by ClinVar (database versions not stated): gnomAD 0.00001.
gnomAD v4.1: 1 of 1,613,298 alleles (0.000062%); highest among the groups gnomAD compares: Non-Finnish European, 0.000085%; no homozygotes.

Submissions (2):

Ambry Genetics
Classification: Uncertain significance for Inborn genetic diseases. Last evaluated: 2025-04-17. Review status: criteria provided, single submitter. Criteria: Ambry Variant Classification Scheme 2023. Collection method: clinical testing. Allele origin: germline.
Comment: The p.C1607F variant (also known as c.4820G>T), located in coding exon 20 of the FANCM gene, results from a G to T substitution at nucleotide position 4820. The cysteine at codon 1607 is replaced by phenylalanine, an amino acid with highly dissimilar properties. This amino acid position is conserved. In addition, this alteration is predicted to be deleterious by in silico analysis. Based on the available evidence, the clinical significance of this variant remains unclear.

Labcorp Genetics (formerly Invitae), Labcorp
Classification: Uncertain significance for Fanconi anemia. Last evaluated: 2019-11-25. Review status: criteria provided, single submitter. Criteria: Invitae Variant Classification Sherloc (09022015). Collection method: clinical testing. Allele origin: germline.
Comment: Algorithms developed to predict the effect of missense changes on protein structure and function are either unavailable or do not agree on the potential impact of this missense change (SIFT: "Deleterious"; PolyPhen-2: "Probably Damaging"; Align-GVGD: "Class C0"). This variant has not been reported in the literature in individuals with FANCM-related conditions. This variant is not present in population databases (ExAC no frequency). This sequence change replaces cysteine with phenylalanine at codon 1607 of the FANCM protein (p.Cys1607Phe). The cysteine residue is moderately conserved and there is a large physicochemical difference between cysteine and phenylalanine. In summary, the available evidence is currently insufficient to determine the role of this variant in disease. Therefore, it has been classified as a Variant of Uncertain Significance.

NM_020937.4(FANCM):c.4820G>T (p.Cys1607Phe)

Gene: FANCM (FA complementation group M; plus strand). Cytogenetic location: 14q21.2.
Variant type: single nucleotide variant.
Coding change: c.4820G>T on transcript NM_020937.4 (MANE Select); coding-DNA position 4820, G replaced by T.
Protein change: p.Cys1607Phe; replaces cysteine 1607 with phenylalanine.
Molecular consequence: missense variant.
Genome position (GRCh38, 1-based): chr14:45,188,842, G>T. VCF-style: chr14-45188842-G-T. GRCh37 (hg19) VCF-style: chr14-45658045-G-T.
Other names: c.4742G>T, p.Cys1581Phe (NM_001308133.2); short protein forms C1581F, C1607F.
Identifiers: ClinVar variation 855219 (VCV000855219.9), dbSNP rs769869730, ClinGen allele CA389610934.